The following is an entry in ClinVar:

NM_005562.3(LAMC2):c.1246T>C (p.Cys416Arg)

Gene: LAMC2 (laminin subunit gamma 2; plus strand). Cytogenetic location: 1q25.3.
Variant type: single nucleotide variant.
Coding change: c.1246T>C on transcript NM_005562.3 (MANE Select); coding-DNA position 1246, T replaced by C.
Protein change: p.Cys416Arg; replaces cysteine 416 with arginine.
Molecular consequence: missense variant.
Genome position (GRCh38, 1-based): chr1:183,226,877, T>C. VCF-style: chr1-183226877-T-C. GRCh37 (hg19) VCF-style: chr1-183196012-T-C.
Other names: c.1246T>C, p.Cys416Arg (NM_018891.3); short protein forms C416R.
Identifiers: ClinVar variation 5007621 (VCV005007621.2).

ClinVar aggregate classification (germline): Uncertain significance (1 of 4 stars; one submission).

Conditions:
Epidermolysis bullosa, junctional 3A, intermediate. Also called: EPIDERMOLYSIS BULLOSA, JUNCTIONAL 3A, GENERALIZED INTERMEDIATE; EPIDERMOLYSIS BULLOSA, JUNCTIONAL 3A, NON-HERLITZ TYPE. Identifiers: MedGen C5676938, MONDO:0030748, OMIM 619785.
Epidermolysis bullosa, junctional 3B, severe. Also called: EPIDERMOLYSIS BULLOSA, JUNCTIONAL 3B, GENERALIZED SEVERE; EPIDERMOLYSIS BULLOSA, JUNCTIONAL 3B, HERLITZ TYPE. Identifiers: MedGen C5676939, MONDO:0030749, OMIM 619786.

Submission:

Juno Genomics, Hangzhou Juno Genomics, Inc
Classification: Uncertain significance for Epidermolysis bullosa, junctional 3A, intermediate; Epidermolysis bullosa, junctional 3B, severe. Review status: criteria provided, single submitter. Criteria: ACMG Guidelines, 2015. Collection method: clinical testing. Allele origin: germline.
Comment: Absent from controls (or at extremely low frequency if recessive) in Genome Aggregation Database.;Multiple lines of computational evidence support a deleterious effect on the gene or gene product.